The following is an entry in ClinVar:

NM_000127.3(EXT1):c.1051T>G (p.Leu351Val)

Gene: EXT1 (exostosin glycosyltransferase 1; minus strand). Cytogenetic location: 8q24.11.
Variant type: single nucleotide variant.
Coding change: c.1051T>G on transcript NM_000127.3 (MANE Select); coding-DNA position 1051, T replaced by G.
Protein change: p.Leu351Val; replaces leucine 351 with valine.
Molecular consequence: missense variant.
Genome position (GRCh38, 1-based): chr8:117,837,113, A>C on the plus strand (T>G on the coding strand, the complement: EXT1 is on the minus strand). VCF-style: chr8-117837113-A-C. GRCh37 (hg19) VCF-style: chr8-118849352-A-C.
Other names: short protein forms L351V.
Identifiers: ClinVar variation 2805639 (VCV002805639.3), dbSNP rs2488135165, ClinGen allele CA371893222.

ClinVar aggregate classification (germline): Uncertain significance (1 of 4 stars; one submission).

Conditions:
Multiple congenital exostosis (EXT). Also called: Hereditary multiple exostoses; Hereditary multiple exostosis; Multiple osteochondromas; MULTIPLE CARTILAGINOUS EXOSTOSES; Multiple exostoses; Hereditary multiple osteochondromas. Identifiers: Orphanet 321, MedGen C0015306, MONDO:0005508, HP:0002762.

Allele frequency attached by ClinVar (database versions not stated): gnomAD exomes below 0.00001.
gnomAD v4.1: 3 of 1,613,730 alleles (0.00019%); highest among the groups gnomAD compares: South Asian, 0.0011%; no homozygotes.

Submission:

Labcorp Genetics (formerly Invitae), Labcorp
Classification: Uncertain significance for Multiple congenital exostosis. Last evaluated: 2023-06-20. Review status: criteria provided, single submitter. Criteria: Invitae Variant Classification Sherloc (09022015). Collection method: clinical testing. Allele origin: germline.
Comment: In summary, the available evidence is currently insufficient to determine the role of this variant in disease. Therefore, it has been classified as a Variant of Uncertain Significance. Advanced modeling of protein sequence and biophysical properties (such as structural, functional, and spatial information, amino acid conservation, physicochemical variation, residue mobility, and thermodynamic stability) performed at Invitae indicates that this missense variant is expected to disrupt EXT1 protein function. This variant has not been reported in the literature in individuals affected with EXT1-related conditions. This variant is not present in population databases (gnomAD no frequency). This sequence change replaces leucine, which is neutral and non-polar, with valine, which is neutral and non-polar, at codon 351 of the EXT1 protein (p.Leu351Val).